The following is an entry in ClinVar:

NM_002332.3(LRP1):c.7700AGA[1] (p.Lys2568del)

Gene: LRP1 (LDL receptor related protein 1; plus strand). Cytogenetic location: 12q13.3.
Variant type: Microsatellite.
Coding change: c.7700AGA[1] on transcript NM_002332.3 (MANE Select); one copy of the 3-base unit AGA starting at c.7700; the reference has two copies in a row; one copy, 3 bases deleted.
Protein change: p.Lys2568del; deletes lysine 2568.
Molecular consequence: inframe deletion.
Genome position (GRCh38, 1-based): chr12:57,193,584-57,193,586, AGA deleted; deleting any 3 consecutive bases within chr12:57,193,580-57,193,586 gives the same sequence; the position shown is the placement nearest the transcript's 3' end. VCF-style (leftmost placement, unchanged base first): chr12-57193579-CAAG-C. GRCh37 (hg19) VCF-style: chr12-57587362-CAAG-C.
Other names: short protein forms K2568del.
Identifiers: ClinVar variation 3344179 (VCV003344179.1).

ClinVar aggregate classification (germline): Uncertain significance (0 of 4 stars; one submission).

Conditions:
LRP1-related disorder. Also called: LRP1-related condition.

Submission:

PreventionGenetics, part of Exact Sciences
Classification: Uncertain significance for LRP1-related condition. Last evaluated: 2024-06-20. Review status: no assertion criteria provided. Collection method: clinical testing. Allele origin: germline.
Comment: The LRP1 c.7703_7705delAGA variant is predicted to result in an in-frame deletion (p.Lys2568del). To our knowledge, this variant has not been reported in the literature or in a large population database, indicating this variant is rare. At this time, the clinical significance of this variant is uncertain due to the absence of conclusive functional and genetic evidence.